The following is an entry in ClinVar:

NM_000218.3(KCNQ1):c.1514+37643_1514+37668del

Genes: KCNQ1 (potassium voltage-gated channel subfamily Q member 1; plus strand), KCNQ1OT1 (KCNQ1 opposite strand/antisense transcript 1; minus strand). Cytogenetic location: 11p15.5.
Variant type: Deletion.
Coding change: c.1514+37643_1514+37668del on transcript NM_000218.3 (MANE Select); bases 37643 to 37668 of the intron after coding-DNA position 1514, 26 bases deleted (GGGGAGAACTGCGCCGAGGAGCCCCC).
Molecular consequence: intron variant. On other transcripts: non-coding transcript variant (1).
Genome position (GRCh38, 1-based): chr11:2,699,724-2,699,749, GGGGAGAACTGCGCCGAGGAGCCCCC deleted; deleting any 26 consecutive bases within chr11:2,699,720-2,699,749 gives the same sequence; the c. name uses the placement nearest the transcript's 3' end. VCF-style (leftmost placement, unchanged base first): chr11-2699719-TCCCCGGGGAGAACTGCGCCGAGGAGC-T. GRCh37 (hg19) VCF-style: chr11-2720949-TCCCCGGGGAGAACTGCGCCGAGGAGC-T.
Other names: c.1244+37643_1244+37668del (NM_001406837.1); c.1418+37643_1418+37668del (NM_001406836.1); c.974+37643_974+37668del (NM_001406838.1); c.1133+37643_1133+37668del (NM_181798.2).
Identifiers: ClinVar variation 2672452 (VCV002672452.23), dbSNP rs1329783816, ClinGen allele CA472788318.
Genomic context (GRCh38, chr11:2,699,719, plus strand): 5'-CCCCCGGGGAGAACCGCGCCGAAAAGCCCCGGGTGCCCCGAGGAGAACGGCGCCGAGGAG[TCCCCGGGGAGAACTGCGCCGAGGAGC>T]CCCCAGAAGAGCGCCGCGCTGAGGAGCCCCGAGGAGAACCGCGCCGAGGGGCGCGCCGGG-3'

ClinVar aggregate classification (germline): Benign (1 of 4 stars; one submission).

Submission:

CeGaT Center for Human Genetics Tuebingen
Classification: Benign. Last evaluated: 2026-01-01. Review status: criteria provided, single submitter. Criteria: CeGaT Center For Human Genetics Tuebingen Variant Classification Criteria Version 2. Collection method: clinical testing. Allele origin: germline. Affected: yes. Observed: 3 variant alleles.
Comment: KCNQ1OT1: BS1, BS2